The following is an entry in ClinVar:

NM_000089.4(COL1A2):c.949G>T (p.Val317Phe)

Gene: COL1A2 (collagen type I alpha 2 chain; plus strand). Cytogenetic location: 7q21.3.
Variant type: single nucleotide variant.
Coding change: c.949G>T on transcript NM_000089.4 (MANE Select); coding-DNA position 949, G replaced by T.
Protein change: p.Val317Phe; replaces valine 317 with phenylalanine.
Molecular consequence: missense variant.
Genome position (GRCh38, 1-based): chr7:94,409,735, G>T. VCF-style: chr7-94409735-G-T. GRCh37 (hg19) VCF-style: chr7-94039047-G-T.
Other names: short protein forms V317F.
Identifiers: ClinVar variation 4783361 (VCV004783361.1).
Genomic context (GRCh38, chr7:94,409,735, plus strand): 5'-TACAGCCCATCACCTCCCTAATGGACCACACTGCATTTTCCTTCACAGGGCCTTCCCGGC[G>T]TTGCTGGGGCTCCCGGCCTCCCTGGACCCCGCGGTATTCCTGGCCCTGTTGGTGCTGCCG-3'
Protein context (NP_000080.2, residues 307-327): GAKGAAGLPG[Val317Phe]AGAPGLPGPR

ClinVar aggregate classification (germline): Uncertain significance (1 of 4 stars; one submission).

Conditions:
Ehlers-Danlos syndrome, classic type, 1 (EDSCL1). Also called: EHLERS-DANLOS SYNDROME, GRAVIS TYPE; EHLERS-DANLOS SYNDROME, SEVERE CLASSIC TYPE; Ehlers-Danlos syndrome, type 1; Ehlers-Danlos Syndrome, Classic Type, COL5A1-Related; EDS I. Identifiers: MedGen C0268335, MONDO:0019567, OMIM 130000.
Osteogenesis imperfecta type I (OI1). Also called: OI, TYPE I; OSTEOGENESIS IMPERFECTA TARDA; OSTEOGENESIS IMPERFECTA WITH BLUE SCLERAE; Osteogenesis imperfecta type 1; Lobstein's Disease; Lobstein disease. Identifiers: Orphanet 216796, Orphanet 666, MedGen C0023931, MONDO:0008146, OMIM 166200. Disease mechanism: loss of function.

gnomAD v4.1: 2 of 1,613,974 alleles (0.00012%); highest among the groups gnomAD compares: Admixed American, 0.0017%; no homozygotes.

Submission:

Labcorp Genetics (formerly Invitae), Labcorp
Classification: Uncertain significance for Osteogenesis imperfecta type I; Ehlers-Danlos syndrome, classic type, 1. Last evaluated: 2025-12-15. Review status: criteria provided, single submitter. Criteria: Invitae Variant Classification Sherloc (09022015). Collection method: clinical testing. Allele origin: germline.
Comment: This sequence change replaces valine, which is neutral and non-polar, with phenylalanine, which is neutral and non-polar, at codon 317 of the COL1A2 protein (p.Val317Phe). The frequency data for this variant in the population databases is considered unreliable, as metrics indicate poor data quality at this position in the gnomAD database. This variant has not been reported in the literature in individuals affected with COL1A2-related conditions. Invitae Evidence Modeling of protein sequence and biophysical properties (such as structural, functional, and spatial information, amino acid conservation, physicochemical variation, residue mobility, and thermodynamic stability) has been performed for this missense variant. However, the output from this modeling did not meet the statistical confidence thresholds required to predict the impact of this variant on COL1A2 protein function. In summary, the available evidence is currently insufficient to determine the role of this variant in disease. Therefore, it has been classified as a Variant of Uncertain Significance.